The following is an entry in ClinVar:

ClinVar aggregate classification (germline): Conflicting classifications of pathogenicity. Review status: criteria provided, conflicting classifications (1 of 4 stars). 2 submissions from 2 submitters: Uncertain significance (1); Likely benign (1). Last evaluated 2024-12-06.

Conditions:
Ataxia-telangiectasia syndrome (AT). Also called: LOUIS-BAR SYNDROME; Ataxia-telangiectasia, complementation group E; Ataxia-telangiectasia, complementation group D; AT, COMPLEMENTATION GROUP C; Ataxia telangiectasia (A-T); Cerebello-oculocutaneous telangiectasia. Identifiers: Orphanet 100, MedGen C0004135, MONDO:0008840, OMIM 208900.
Hereditary cancer-predisposing syndrome. Also called: Neoplastic Syndromes, Hereditary; Hereditary Cancer Syndrome; Hereditary neoplastic syndrome; Tumor predisposition. Identifiers: Orphanet 140162, MedGen C0027672, MeSH D009386, MONDO:0015356.

Submissions (2):

Ambry Genetics
Classification: Likely benign for Hereditary cancer-predisposing syndrome. Last evaluated: 2024-12-06. Review status: criteria provided, single submitter. Criteria: Ambry Variant Classification Scheme 2023. Collection method: clinical testing. Allele origin: germline.

Labcorp Genetics (formerly Invitae), Labcorp
Classification: Uncertain significance for Ataxia-telangiectasia syndrome. Last evaluated: 2020-04-08. Review status: criteria provided, single submitter. Criteria: Invitae Variant Classification Sherloc (09022015). Collection method: clinical testing. Allele origin: germline.
Comment: In summary, the available evidence is currently insufficient to determine the role of this variant in disease. Therefore, it has been classified as a Variant of Uncertain Significance. This sequence change replaces glutamic acid with glycine at codon 166 of the ATM protein (p.Glu166Gly). The glutamic acid residue is moderately conserved and there is a moderate physicochemical difference between glutamic acid and glycine. This variant is not present in population databases (ExAC no frequency). This variant has not been reported in the literature in individuals with ATM-related conditions. ClinVar contains an entry for this variant (Variation ID: 643645). Algorithms developed to predict the effect of missense changes on protein structure and function (SIFT, PolyPhen-2, Align-GVGD) all suggest that this variant is likely to be tolerated, but these predictions have not been confirmed by published functional studies and their clinical significance is uncertain.

NM_000051.4(ATM):c.497A>G (p.Glu166Gly)

Gene: ATM (ATM serine/threonine kinase; plus strand). Cytogenetic location: 11q22.3.
Variant type: single nucleotide variant.
Coding change: c.497A>G on transcript NM_000051.4 (MANE Select); coding-DNA position 497, A replaced by G.
Protein change: p.Glu166Gly; replaces glutamic acid 166 with glycine.
Molecular consequence: missense variant.
Genome position (GRCh38, 1-based): chr11:108,243,953, A>G. VCF-style: chr11-108243953-A-G. GRCh37 (hg19) VCF-style: chr11-108114680-A-G.
Other names: c.497A>G, p.Glu166Gly (NM_001351834.2); short protein forms E166G.
Identifiers: ClinVar variation 643645 (VCV000643645.14), dbSNP rs863224573, ClinGen allele CA382527400.